The following is an entry in ClinVar:

NM_006086.4(TUBB3):c.862G>A (p.Glu288Lys)

Gene: TUBB3 (tubulin beta 3 class III; plus strand). Cytogenetic location: 16q24.3.
Variant type: single nucleotide variant.
Coding change: c.862G>A on transcript NM_006086.4 (MANE Select); coding-DNA position 862, G replaced by A.
Protein change: p.Glu288Lys; replaces glutamic acid 288 with lysine.
Molecular consequence: missense variant.
Genome position (GRCh38, 1-based): chr16:89,935,313, G>A. VCF-style: chr16-89935313-G-A. GRCh37 (hg19) VCF-style: chr16-90001721-G-A.
Other names: c.646G>A, p.Glu216Lys (NM_001197181.2); short protein forms E216K, E288K.
Identifiers: ClinVar variation 384329 (VCV000384329.16), dbSNP rs1057521924, ClinGen allele CA16608343.

ClinVar aggregate classification (germline): Pathogenic/Likely pathogenic. Review status: criteria provided, multiple submitters, no conflicts (2 of 4 stars). 9 submissions from 9 submitters: Pathogenic (7); Likely pathogenic (1). 1 of the submissions does not count toward it. Last evaluated 2026-08-27.

Conditions:
TUBB3-related tubulinopathy. Identifiers: MedGen CN322634, MONDO:0100154.
Complex cortical dysplasia with other brain malformations 1. Identifiers: Orphanet 300570, MedGen C3808397, MONDO:0013541, OMIM 614039.
TUBB3-related disorder. Also called: TUBB3-related disorders; TUBB3-related condition.
Abnormal cerebral morphology. Also called: Abnormality of the cerebrum. Identifiers: MedGen C4021762, HP:0002060.

Submissions (9):

PreventionGenetics, part of Exact Sciences
Classification: Pathogenic for TUBB3-related condition. Last evaluated: 2026-08-27. Review status: criteria provided, single submitter. Criteria: ACMG Guidelines, 2015. Collection method: clinical testing. Allele origin: germline.
Comment: The TUBB3 c.862G>A variant is predicted to result in the amino acid substitution p.Glu288Lys. This variant was reported in several patients with cerebellar dysplasia and it occurred de novo (Oegema et al. 2015. PubMed ID: 26130693; Romaniello et al. 2017. PubMed ID: 28677066; Boissel et al. 2017. PubMed ID: 29261186; Accogli et al. 2020. PubMed ID: 32570172; Seo et al. 2020. PubMed ID: 32901917). The cell-based assays suggested that this variant affects microtubule incorporation function (Oegema et al. 2015. PubMed ID: 26130693). This variant has not been reported in a large population database (gnomAD), indicating this variant is rare. This variant is interpreted as pathogenic.

Labcorp Genetics (formerly Invitae), Labcorp
Classification: Pathogenic. Last evaluated: 2025-11-28. Review status: criteria provided, single submitter. Criteria: Invitae Variant Classification Sherloc (09022015). Collection method: clinical testing. Allele origin: germline.
Comment: This sequence change replaces glutamic acid, which is acidic and polar, with lysine, which is basic and polar, at codon 288 of the TUBB3 protein (p.Glu288Lys). This variant is not present in population databases (gnomAD no frequency). This missense change has been observed in individual(s) with cortical malformations (PMID: 26130693, 29261186). In at least one individual the variant was observed to be de novo. ClinVar contains an entry for this variant (Variation ID: 384329). Invitae Evidence Modeling of protein sequence and biophysical properties (such as structural, functional, and spatial information, amino acid conservation, physicochemical variation, residue mobility, and thermodynamic stability) indicates that this missense variant is expected to disrupt TUBB3 protein function with a positive predictive value of 80%. Experimental studies have shown that this missense change affects TUBB3 function (PMID: 26130693). For these reasons, this variant has been classified as Pathogenic.

Victorian Clinical Genetics Services, Murdoch Childrens Research Institute
Classification: Pathogenic for TUBB3-related tubulinopathy. Last evaluated: 2024-10-11. Review status: criteria provided, single submitter. Criteria: ACMG Guidelines, 2015. Collection method: clinical testing. Allele origin: germline. Inheritance: Autosomal dominant inheritance. Affected: yes.
Comment: Based on the classification scheme VCGS_Germline_v1.3.5, this variant is classified as Pathogenic. Following criteria are met: 0104 - Dominant negative is a known mechanism of disease in this gene and is associated with cortical dysplasia, complex, with other brain malformations 1 (MIM#614039) and fibrosis of extraocular muscles, congenital, 3A (MIM#600638) (PMID: 31219644). (I) 0107 - This gene is associated with autosomal dominant disease. (I) 0200 - Variant is predicted to result in a missense amino acid change from glutamic acid to lysine. (I) 0251 - This variant is heterozygous. (I) 0301 - Variant is absent from gnomAD (v2, v3 and v4). (SP) 0502 - Missense variant with conflicting in silico predictions and uninformative conservation. (I) 0600 - Variant is located in the annotated tubulin C-terminal domain (DECIPHER). (I) 0801 - This variant has strong previous evidence of pathogenicity in unrelated individuals. It has been reported in multiple affected individuals, including multiple de novo occurences (PMIDs: 32570172, 29261186, 26130693; DECIPHER). In addition, it has been classified as pathogenic and likely pathogenic by multiple clinical laboratories (ClinVar). (SP) Legend: (SP) - Supporting pathogenic, (I) - Information, (SB) - Supporting benign

Women's Health and Genetics/Laboratory Corporation of America, LabCorp
Classification: Pathogenic for Complex cortical dysplasia with other brain malformations 1. Last evaluated: 2022-12-08. Review status: criteria provided, single submitter. Criteria: LabCorp Variant Classification Summary - May 2015. Collection method: clinical testing. Allele origin: germline.
Comment: Variant summary: TUBB3 c.862G>A (p.Glu288Lys) results in a conservative amino acid change located in the Tubulin/FtsZ, 2-layer sandwich domain (IPR018316) of the encoded protein sequence. Three of five in-silico tools predict a damaging effect of the variant on protein function. The variant was absent in 250300 control chromosomes (gnomAD). c.862G>A has been reported in the literature in multiple individuals affected with Cortical Dysplasia, Complex, With Other Brain Malformations 1, including de novo occurrences (Oegema_2015, Romaniello_2017, Boissel_2017, Accogli_2020, Seo_2020). These data indicate that the variant is very likely to be associated with disease. At least one functional study reports experimental evidence evaluating an impact on protein function and this variant did not incorporate into microtubules (Oegema_2015). Three ClinVar submitters (evaluation after 2014) cite this variant as pathogenic. Based on the evidence outlined above, the variant was classified as pathogenic.

GeneDx
Classification: Pathogenic. Last evaluated: 2022-02-22. Review status: criteria provided, single submitter. Criteria: GeneDx Variant Classification Process June 2021. Collection method: clinical testing. Allele origin: germline. Affected: yes.
Comment: Published functional studies suggest the E288K variant may affect protein processing (Oegema et al., 2015); The majority of missense variants in this gene are considered pathogenic (HGMD); Not observed in large population cohorts (gnomAD); This variant is associated with the following publications: (PMID: 28503613, 29261186, 31269740, 26130693, 28677066, 30667171, 32570172, 32901917)

3billion
Classification: Pathogenic for Complex cortical dysplasia with other brain malformations 1. Last evaluated: 2021-10-02. Review status: criteria provided, single submitter. Criteria: ACMG Guidelines, 2015. Collection method: clinical testing. Allele origin: germline. Affected: yes. Observed: 1 heterozygote.
Comment: Same nucleotide change resulting in same amino acid change has been previously reported as pathogenic/likely pathogeic with strong evidence and some affected individual has been obsered as de novoo (ClinVar ID: VCV000384329.4, PMID:32570172, PS1 and PS2). It is not observed in the gnomAD v2.1.1 dataset (PM2). A different missense change at the same codon (p.Glu288Ala) has been reported as pathogenic/likely pathogenic with strong evidence (ClinVar ID: VCV000931842.2, PM5). The variant was observed as assumed (i.e. paternity and maternity not confirmed) de novoo (3billion dataset, PM6). In silico tool predictions suggest damaging effect of the variant on gene or gene product (REVEL: 0.873, 3Cnet: 0.987, PP3). Patient's phenotype is considered compatible with Cortical dysplasia, complex, with other brain malformations 1 (3billion dataset, PP4). Therefore, this variant is classified as likely pathogenic according to the recommendation of ACMG/AMP guideline.

Institute of Medical Genetics and Applied Genomics, University Hospital Tübingen
Classification: Pathogenic. Last evaluated: 2020-10-23. Review status: criteria provided, single submitter. Criteria: ACMG Guidelines, 2015. Collection method: clinical testing. Allele origin: germline. Inheritance: Autosomal dominant inheritance. Affected: yes.

Equipe Genetique des Anomalies du Developpement, Université de Bourgogne
Classification: Likely pathogenic for Complex cortical dysplasia with other brain malformations 1. Last evaluated: 2014-01-01. Review status: criteria provided, single submitter. Criteria: ACMG Guidelines, 2007. Collection method: clinical testing. Allele origin: de novo. Affected: yes.

Diagnostic Laboratory, Strasbourg University Hospital
Classification: Pathogenic for Abnormal cerebral morphology. Review status: no assertion criteria provided. Collection method: clinical testing. Allele origin: de novo. Affected: yes. Observed: 1 heterozygote. Not counted in ClinVar's aggregate classification.

Literature cited by the submitters: PubMed 26130693 (cited by 3 submitters); PubMed 29261186 (cited by 3 submitters); PubMed 31219644 (cited by Victorian Clinical Genetics Services, Murdoch Childrens Research Institute); PubMed 32570172 (cited by 3 submitters); PubMed 32901917 (cited by Women's Health and Genetics/Laboratory Corporation of America, LabCorp); PubMed 28677066 (cited by Women's Health and Genetics/Laboratory Corporation of America, LabCorp); PubMed 30667171 (cited by 3billion).